The following is an entry in ClinVar:

NM_000388.4(CASR):c.2852C>T (p.Pro951Leu)

Gene: CASR (calcium sensing receptor; plus strand). Cytogenetic location: 3q21.1.
Variant type: single nucleotide variant.
Coding change: c.2852C>T on transcript NM_000388.4 (MANE Select); coding-DNA position 2852, C replaced by T.
Protein change: p.Pro951Leu; replaces proline 951 with leucine.
Molecular consequence: missense variant.
Genome position (GRCh38, 1-based): chr3:122,284,806, C>T. VCF-style: chr3-122284806-C-T. GRCh37 (hg19) VCF-style: chr3-122003653-C-T.
Other names: c.2882C>T, p.Pro961Leu (NM_001178065.2); short protein forms P951L, P961L.
Identifiers: ClinVar variation 1912978 (VCV001912978.5), dbSNP rs2473282297, ClinGen allele CA354160909.

ClinVar aggregate classification (germline): Uncertain significance (1 of 4 stars; one submission).

Conditions:
Familial hypocalciuric hypercalcemia (FHH). Also called: Familial benign hypercalcemia. Identifiers: Orphanet 405, MedGen C1809471, MONDO:0018458.
Autosomal dominant hypocalcemia 1 (HYPOC1). Also called: HYPOCALCEMIA, FAMILIAL. Identifiers: MedGen C3715128, MONDO:0011013, OMIM 601198.

Allele frequency attached by ClinVar (database versions not stated): gnomAD exomes below 0.00001.
gnomAD v4.1: 1 of 1,614,166 alleles (0.000062%); highest among the groups gnomAD compares: South Asian, 0.0011%; no homozygotes.

Submission:

Labcorp Genetics (formerly Invitae), Labcorp
Classification: Uncertain significance for Familial hypocalciuric hypercalcemia; Autosomal dominant hypocalcemia 1. Last evaluated: 2021-12-26. Review status: criteria provided, single submitter. Criteria: Invitae Variant Classification Sherloc (09022015). Collection method: clinical testing. Allele origin: germline.
Comment: This variant has not been reported in the literature in individuals affected with CASR-related conditions. Algorithms developed to predict the effect of missense changes on protein structure and function are either unavailable or do not agree on the potential impact of this missense change (SIFT: "Deleterious"; PolyPhen-2: "Benign"; Align-GVGD: "Class C0"). In summary, the available evidence is currently insufficient to determine the role of this variant in disease. Therefore, it has been classified as a Variant of Uncertain Significance. This sequence change replaces proline, which is neutral and non-polar, with leucine, which is neutral and non-polar, at codon 951 of the CASR protein (p.Pro951Leu). This variant is not present in population databases (gnomAD no frequency).